The following is an entry in ClinVar:

ClinVar aggregate classification (germline): Uncertain significance (1 of 4 stars; one submission).

Submission:

Labcorp Genetics (formerly Invitae), Labcorp
Classification: Uncertain significance. Last evaluated: 2024-04-17. Review status: criteria provided, single submitter. Criteria: Invitae Variant Classification Sherloc (09022015). Collection method: clinical testing. Allele origin: germline.
Comment: This sequence change replaces lysine, which is basic and polar, with glutamic acid, which is acidic and polar, at codon 1092 of the ERCC6 protein (p.Lys1092Glu). This variant is not present in population databases (gnomAD no frequency). This variant has not been reported in the literature in individuals affected with ERCC6-related conditions. ClinVar contains an entry for this variant (Variation ID: 1717093). Advanced modeling of protein sequence and biophysical properties (such as structural, functional, and spatial information, amino acid conservation, physicochemical variation, residue mobility, and thermodynamic stability) performed at Invitae indicates that this missense variant is not expected to disrupt ERCC6 protein function with a negative predictive value of 95%. In summary, the available evidence is currently insufficient to determine the role of this variant in disease. Therefore, it has been classified as a Variant of Uncertain Significance.

NM_000124.4(ERCC6):c.3274A>G (p.Lys1092Glu)

Gene: ERCC6 (ERCC excision repair 6, chromatin remodeling factor; minus strand). Cytogenetic location: 10q11.23.
Variant type: single nucleotide variant.
Coding change: c.3274A>G on transcript NM_000124.4 (MANE Select); coding-DNA position 3274, A replaced by G.
Protein change: p.Lys1092Glu; replaces lysine 1092 with glutamic acid.
Molecular consequence: missense variant.
Genome position (GRCh38, 1-based): chr10:49,470,686, T>C on the plus strand (A>G on the coding strand, the complement: ERCC6 is on the minus strand). VCF-style: chr10-49470686-T-C. GRCh37 (hg19) VCF-style: chr10-50678732-T-C.
Other names: c.3274A>G, p.Lys1092Glu (NM_001346440.2); short protein forms K1092E.
Identifiers: ClinVar variation 1717093 (VCV001717093.5), dbSNP rs2495972784, ClinGen allele CA376716011.